The following is an entry in ClinVar:

ClinVar aggregate classification (germline): Benign. Review status: criteria provided, multiple submitters, no conflicts (2 of 4 stars). 2 submissions from 2 submitters: Benign (2). Last evaluated 2018-01-12.

Conditions:
Alpha-1-antitrypsin deficiency (A1ATD). Also called: Alpha1-Antitrypsin Deficiency; AAT deficiency; A1AT deficiency. Identifiers: Orphanet 60, MedGen C0221757, MONDO:0013282, OMIM 613490.

Allele frequency attached by ClinVar (database versions not stated): gnomAD exomes 0.63187; 1000 Genomes Project 0.69629; gnomAD 0.69811 and 0.70142; 1000 Genomes Project 30x 0.70362; TOPMed 0.70717.
gnomAD v4.1: 106,307 of 152,272 alleles (70%); highest among the groups gnomAD compares: African/African-American, 77%; 37,393 homozygotes.

Submissions (2):

Illumina Laboratory Services, Illumina
Classification: Benign for Alpha-1-antitrypsin deficiency. Last evaluated: 2018-01-12. Review status: criteria provided, single submitter. Criteria: ICSL Variant Classification Criteria 13 December 2019. Collection method: clinical testing. Allele origin: germline.
Comment: This variant was observed in the ICSL laboratory as part of a predisposition screen in an ostensibly healthy population. It had not been previously curated by ICSL or reported in the Human Gene Mutation Database (HGMD: prior to June 1st, 2018), and was therefore a candidate for classification through an automated scoring system. Utilizing variant allele frequency, disease prevalence and penetrance estimates, and inheritance mode, an automated score was calculated to assess if this variant is too frequent to cause the disease. Based on the score and internal cut-off values, a variant classified as benign is not then subjected to further curation. The score for this variant resulted in a classification of benign for this disease.

Breakthrough Genomics
Classification: Benign. Review status: criteria provided, single submitter. Criteria: ACMG Guidelines, 2015. Collection method: not provided. Allele origin: germline. Inheritance: Autosomal recessive inheritance. Affected: yes.

NM_000295.5(SERPINA1):c.*968T>C

Gene: SERPINA1 (serpin family A member 1; minus strand). Cytogenetic location: 14q32.13.
Variant type: single nucleotide variant.
Coding change: c.*968T>C on transcript NM_000295.5 (MANE Select); 968 bases downstream of the stop codon, T replaced by C.
Molecular consequence: 3 prime UTR variant.
Genome position (GRCh38, 1-based): chr14:94,377,481, A>G on the plus strand (T>C on the coding strand, the complement: SERPINA1 is on the minus strand). VCF-style: chr14-94377481-A-G. GRCh37 (hg19) VCF-style: chr14-94843818-A-G.
Other names: c.*968T>C (NM_001002235.3, NM_001002236.3, NM_001127700.2 and 7 more transcripts).
Identifiers: ClinVar variation 315008 (VCV000315008.6), dbSNP rs1243166, ClinGen allele CA10641347.